The following is an entry in ClinVar:

NM_205850.3(SLC24A5):c.331A>G (p.Thr111Ala)

Gene: SLC24A5 (solute carrier family 24 member 5; plus strand). Cytogenetic location: 15q21.1.
Variant type: single nucleotide variant.
Coding change: c.331A>G on transcript NM_205850.3 (MANE Select); coding-DNA position 331, A replaced by G.
Protein change: p.Thr111Ala; replaces threonine 111 with alanine.
Molecular consequence: missense variant.
Genome position (GRCh38, 1-based): chr15:48,134,287, A>G. VCF-style: chr15-48134287-A-G. GRCh37 (hg19) VCF-style: chr15-48426484-A-G.
Other names: short protein forms T111A.
Identifiers: ClinVar variation 263273 (VCV000263273.12), dbSNP rs1426654, ClinGen allele CA7545842.

ClinVar aggregate classification (germline): Benign. Review status: criteria provided, multiple submitters, no conflicts (2 of 4 stars). 4 submissions from 4 submitters: Benign (4). Last evaluated 2026-02-03.

Allele frequency attached by ClinVar (database versions not stated): gnomAD exomes 0.22996; gnomAD 0.29775 and 0.30113; 1000 Genomes Project 30x 0.56621; ExAC 0.22826; 1000 Genomes Project 0.56230.
gnomAD v4.1: 163,198 of 1,613,472 alleles (10%); highest among the groups gnomAD compares: East Asian, 99%; 59,639 homozygotes.

Submissions (4):

Labcorp Genetics (formerly Invitae), Labcorp
Classification: Benign. Last evaluated: 2026-02-03. Review status: criteria provided, single submitter. Criteria: Invitae Variant Classification Sherloc (09022015). Collection method: clinical testing. Allele origin: germline.

GeneDx
Classification: Benign. Last evaluated: 2020-09-25. Review status: criteria provided, single submitter. Criteria: GeneDx Variant Classification Process June 2021. Collection method: clinical testing. Allele origin: germline. Affected: yes.
Comment: This variant is associated with the following publications: (PMID: 17999355, 18650849, 24244186, 23071798, 16357253, 29025994, 31315583)

Breakthrough Genomics
Classification: Benign. Review status: criteria provided, single submitter. Criteria: ACMG Guidelines, 2015. Collection method: not provided. Allele origin: germline. Inheritance: Autosomal recessive inheritance. Affected: yes.

PreventionGenetics, part of Exact Sciences
Classification: Benign. Review status: criteria provided, single submitter. Criteria: ACMG Guidelines, 2015. Collection method: clinical testing. Allele origin: germline.